The following is an entry in ClinVar:

NM_001113378.2(FANCI):c.257C>T (p.Ala86Val)

Gene: FANCI (FA complementation group I; plus strand). Cytogenetic location: 15q26.1.
Variant type: single nucleotide variant.
Coding change: c.257C>T on transcript NM_001113378.2 (MANE Select); coding-DNA position 257, C replaced by T.
Protein change: p.Ala86Val; replaces alanine 86 with valine.
Molecular consequence: missense variant. On other transcripts: 5 prime UTR variant (1).
Genome position (GRCh38, 1-based): chr15:89,260,812, C>T. VCF-style: chr15-89260812-C-T. GRCh37 (hg19) VCF-style: chr15-89804043-C-T.
Other names: c.-23C>T (NM_001376910.1); c.257C>T, p.Ala86Val (NM_001376911.1, NM_018193.3); short protein forms A86V.
Identifiers: ClinVar variation 257484 (VCV000257484.32), dbSNP rs17803620, ClinGen allele CA7722545.

ClinVar aggregate classification (germline): Benign/Likely benign. Review status: criteria provided, multiple submitters, no conflicts (2 of 4 stars). 10 submissions from 10 submitters: Benign (9); Likely benign (1). Last evaluated 2026-02-04.

Conditions:
Fanconi anemia (FA). Also called: Fanconi's anemia. Identifiers: Orphanet 84, MedGen C0015625, MeSH D005199, MONDO:0019391.
Fanconi anemia complementation group I (FANCI). Also called: FANCI-Related Fanconi Anemia. Identifiers: Orphanet 84, MedGen C1836861, MONDO:0012186, OMIM 609053.

Allele frequency attached by ClinVar (database versions not stated): 1000 Genomes Project 30x 0.25625; 1000 Genomes Project 0.25978; TOPMed 0.28055; ESP Exome Variant Server 0.28627; gnomAD 0.31885; gnomAD exomes 0.37269.
gnomAD v4.1: 589,036 of 1,612,532 alleles (37%); highest among the groups gnomAD compares: South Asian, 38%; 112,025 homozygotes.

Submissions (10):

Labcorp Genetics (formerly Invitae), Labcorp
Classification: Benign for Fanconi anemia. Last evaluated: 2026-02-04. Review status: criteria provided, single submitter. Criteria: Invitae Variant Classification Sherloc (09022015). Collection method: clinical testing. Allele origin: germline.

ARUP Laboratories, Molecular Genetics and Genomics, ARUP Laboratories
Classification: Benign for Fanconi anemia complementation group I. Last evaluated: 2025-07-28. Review status: criteria provided, single submitter. Criteria: ARUP Molecular Germline Variant Investigation Process 2024. Collection method: clinical testing. Allele origin: germline.

Blueprint Genetics
Classification: Likely benign. Last evaluated: 2024-11-27. Review status: criteria provided, single submitter. Criteria: ACMG Guidelines, 2015. Collection method: clinical testing. Allele origin: germline.

KCCC/NGS Laboratory, Kuwait Cancer Control Center
Classification: Benign for Fanconi anemia complementation group I. Last evaluated: 2023-07-07. Review status: criteria provided, single submitter. Criteria: ACMG Guidelines, 2015. Collection method: clinical testing. Allele origin: germline. Affected: yes.

Mayo Clinic Laboratories, Mayo Clinic
Classification: Benign. Last evaluated: 2022-09-06. Review status: criteria provided, single submitter. Criteria: ACMG Guidelines, 2015. Collection method: clinical testing. Allele origin: germline. Observed: 30 variant alleles.

Genome-Nilou Lab
Classification: Benign for Fanconi anemia complementation group I. Last evaluated: 2021-08-10. Review status: criteria provided, single submitter. Criteria: ACMG Guidelines, 2015. Collection method: clinical testing. Allele origin: germline. Affected: no.

GeneDx
Classification: Benign. Last evaluated: 2018-07-05. Review status: criteria provided, single submitter. Criteria: GeneDx Variant Classification Process June 2021. Collection method: clinical testing. Allele origin: germline. Affected: yes.

Illumina Laboratory Services, Illumina
Classification: Benign for Fanconi anemia complementation group I. Last evaluated: 2018-01-12. Review status: criteria provided, single submitter. Criteria: ICSL Variant Classification Criteria 13 December 2019. Collection method: clinical testing. Allele origin: germline.
Comment: This variant was observed in the ICSL laboratory as part of a predisposition screen in an ostensibly healthy population. It had not been previously curated by ICSL or reported in the Human Gene Mutation Database (HGMD: prior to June 1st, 2018), and was therefore a candidate for classification through an automated scoring system. Utilizing variant allele frequency, disease prevalence and penetrance estimates, and inheritance mode, an automated score was calculated to assess if this variant is too frequent to cause the disease. Based on the score and internal cut-off values, a variant classified as benign is not then subjected to further curation. The score for this variant resulted in a classification of benign for this disease.

Breakthrough Genomics
Classification: Benign. Review status: criteria provided, single submitter. Criteria: ACMG Guidelines, 2015. Collection method: not provided. Allele origin: germline. Inheritance: Autosomal recessive inheritance. Affected: yes.

PreventionGenetics, part of Exact Sciences
Classification: Benign. Review status: criteria provided, single submitter. Criteria: ACMG Guidelines, 2015. Collection method: clinical testing. Allele origin: germline.